The following is an entry in ClinVar:

NM_005535.3(IL12RB1):c.962C>A (p.Ser321Ter)

Gene: IL12RB1 (interleukin 12 receptor subunit beta 1; minus strand). Cytogenetic location: 19p13.11.
Variant type: single nucleotide variant.
Coding change: c.962C>A on transcript NM_005535.3 (MANE Select); coding-DNA position 962, C replaced by A.
Protein change: p.Ser321Ter; replaces serine 321 with a stop codon.
Molecular consequence: nonsense.
Genome position (GRCh38, 1-based): chr19:18,072,171, G>T on the plus strand (C>A on the coding strand, the complement: IL12RB1 is on the minus strand). VCF-style: chr19-18072171-G-T. GRCh37 (hg19) VCF-style: chr19-18182981-G-T.
Other names: c.962C>A, p.Ser321Ter (NM_001290023.2, NM_153701.3); c.1082C>A, p.Ser361Ter (NM_001290024.2); short protein forms S361*, S321*.
Identifiers: ClinVar variation 827715 (VCV000827715.4), dbSNP rs147766868, ClinGen allele CA9305023.
Genomic context (GRCh38, chr19:18,072,171, plus strand): 5'-CCTGTGTGGGTGTCGGCAGGAATGTGCCACGTCTGGTTCAGGCCAGGACCAAATTGGTTC[G>T]AGGAGATGACAGCCACGTTGTAGGCAGCACCCGAGAGATAGGGCATCTTCCCCAGGTGCA-3'

ClinVar aggregate classification (germline): Pathogenic. Review status: criteria provided, multiple submitters, no conflicts (2 of 4 stars). 2 submissions from 2 submitters: Pathogenic (2). Last evaluated 2023-06-22.

Conditions:
Inherited Immunodeficiency Diseases. Identifiers: MedGen C5197805, MeSH D000081207.
Mendelian susceptibility to mycobacterial diseases due to complete IL12RB1 deficiency. Also called: IL12RB1 DEFICIENCY; Immunodeficiency 30. Identifiers: Orphanet 319552, MedGen C4013949, MONDO:0013955, OMIM 614891.

Allele frequency attached by ClinVar (database versions not stated): 1000 Genomes Project 30x 0.00016; 1000 Genomes Project 0.00020.
gnomAD v4.1: 22 of 1,614,172 alleles (0.0014%); highest among the groups gnomAD compares: South Asian, 0.016%; no homozygotes.

Submissions (2):

Neuberg Centre For Genomic Medicine, NCGM
Classification: Pathogenic for Mendelian susceptibility to mycobacterial diseases due to complete IL12RB1 deficiency. Last evaluated: 2023-06-22. Review status: criteria provided, single submitter. Criteria: ACMG Guidelines, 2015. Collection method: clinical testing. Allele origin: germline. Inheritance: Autosomal recessive inheritance. Affected: yes.
Comment: The stop gained c.962C>A(p.Ser321Ter) variant in IL12RB1 gene has been reported previously in individuals affected with IL12RB1 deficiency / immunodeficiency (Yadav RM, et al., 2021; Taur PD, et al., 2021; Jindal AK, et al., 2019; Fieschi C, et al., 2003). The p.Ser321Ter variant is present with allele frequency of 0.002% in gnomAD Exomes. This variant has been reported to the ClinVar database as Pathogenic. Computational evidence (MutationTaster - Disease causing) predicts damaging effect on protein structure and function for this variant. This sequence change creates a premature translational stop signal (p.Ser321Ter) in the IL12RB1 gene. This variant is predicted to cause loss of normal protein function through protein truncation. Loss of function variants have been previously reported to be disease causing. For these reasons, this variant has been classified as Pathogenic.

NIHR Bioresource Rare Diseases, University of Cambridge
Classification: Pathogenic for Inherited Immunodeficiency Diseases. Last evaluated: 2019-01-01. Review status: criteria provided, single submitter. Criteria: ACMG Guidelines, 2015. Collection method: research. Allele origin: germline. Affected: yes. Observed: 1 homozygote.